The following is an entry in ClinVar:

ClinVar aggregate classification (germline): Conflicting classifications of pathogenicity. Review status: criteria provided, conflicting classifications (1 of 4 stars). 6 submissions from 6 submitters: Uncertain significance (4); Likely benign (1). 1 of the submissions does not count toward it. Last evaluated 2026-06-19.

Conditions:
MYH14-related disorder. Also called: MYH14-related condition.
Inborn genetic diseases. Identifiers: MedGen C0950123, MeSH D030342.

Allele frequency attached by ClinVar (database versions not stated): ExAC 0.00006; gnomAD 0.00006; gnomAD exomes 0.00007 and 0.00013; TOPMed 0.00011.
gnomAD v4.1: 189 of 1,611,912 alleles (0.012%); highest among the groups gnomAD compares: Non-Finnish European, 0.016%; no homozygotes.

Submissions (6):

PreventionGenetics, part of Exact Sciences
Classification: Uncertain significance for MYH14-related condition. Last evaluated: 2026-06-19. Review status: criteria provided, single submitter. Criteria: ACMG Guidelines, 2015. Collection method: clinical testing. Allele origin: germline.
Comment: The MYH14 c.4393C>T variant is predicted to result in the amino acid substitution p.Arg1465Cys. To our knowledge, this variant has not been reported in the literature. This variant is reported in 0.013% of alleles in individuals of European (Non-Finnish) descent in gnomAD. Although we suspect that this variant may be benign, at this time, the clinical significance of this variant is uncertain due to the absence of conclusive functional and genetic evidence.

GeneDx
Classification: Uncertain significance. Last evaluated: 2026-03-31. Review status: criteria provided, single submitter. Criteria: GeneDx Variant Classification Process June 2021. Collection method: clinical testing. Allele origin: germline.
Comment: In silico analysis supports that this missense variant has a deleterious effect on protein structure/function; Has not been previously published as pathogenic or benign to our knowledge

Women's Health and Genetics/Laboratory Corporation of America, LabCorp
Classification: Likely benign. Last evaluated: 2025-10-03. Review status: criteria provided, single submitter. Criteria: LabCorp Variant Classification Summary - May 2015. Collection method: clinical testing. Allele origin: germline.
Comment: Variant summary: MYH14 c.4270C>T (p.Arg1424Cys) results in a non-conservative amino acid change in the encoded protein sequence. Algorithms developed to predict the effect of missense changes on protein structure and function are either unavailable or do not agree on the potential impact of this missense change. The variant allele was found at a frequency of 6.7e-05 in 240414 control chromosomes. The observed variant frequency exceeds the estimated maximal expected allele frequency for disease-causing variants in MYH14. To our knowledge, no occurrence of c.4270C>T in individuals affected with MYH14-related conditions and no experimental evidence demonstrating its impact on protein function have been reported. ClinVar contains an entry for this variant (Variation ID: 179996). Based on the evidence outlined above, the variant was classified as likely benign.

Ambry Genetics
Classification: Uncertain significance for Inborn genetic diseases. Last evaluated: 2025-03-08. Review status: criteria provided, single submitter. Criteria: Ambry Variant Classification Scheme 2023. Collection method: clinical testing. Allele origin: germline.

Laboratory for Molecular Medicine, Mass General Brigham Personalized Medicine
Classification: Uncertain significance. Last evaluated: 2014-10-02. Review status: criteria provided, single submitter. Criteria: LMM Criteria. Collection method: clinical testing. Allele origin: germline. Observed: 1 variant allele.
Comment: The Arg1465Cys variant in MYH14 gene has not been previously reported in individ uals with hearing loss. Data from large population studies is insufficient to as sess the frequency of this variant. Computational prediction tools and conservat ion analyses do not provide strong support for or against an impact to the prote in. In summary, the clinical significance of the Arg1465Cys variant is uncertain .

Department of Pathology and Laboratory Medicine, Sinai Health System
Classification: Uncertain significance. Review status: no assertion criteria provided. Collection method: clinical testing. Allele origin: unknown. Affected: yes. Study: The Canadian Open Genetics Repository (COGR). Not counted in ClinVar's aggregate classification.
Comment: The MYH14 p.Arg1432Cys variant was not identified in the literature but was identified in dbSNP (ID: rs727505272) and ClinVar (classified as uncertain significance by Laboratory for Molecular Medicine). The variant was identified in control databases in 17 of 271800 chromosomes at a frequency of 0.00006255 (Genome Aggregation Database March 6, 2019, v2.1.1). The variant was observed in the following populations: European (non-Finnish) in 16 of 122392 chromosomes (freq: 0.000131) and African in 1 of 22862 chromosomes (freq: 0.000044), but was not observed in the Latino, Ashkenazi Jewish, East Asian, European (Finnish), Other, or South Asian populations. The p.Arg1432 residue is conserved across mammals and other organisms, and four out of five computational analyses (PolyPhen-2, SIFT, AlignGVGD, BLOSUM, MutationTaster) suggest that the variant may impact the protein; however, this information is not predictive enough to assume pathogenicity. The variant occurs outside of the splicing consensus sequence and in silico or computational prediction software programs (SpliceSiteFinder, MaxEntScan, NNSPLICE, GeneSplicer) do not predict a difference in splicing. In summary, based on the above information the clinical significance of this variant cannot be determined with certainty at this time. This variant is classified as a variant of uncertain significance.

NM_001145809.2(MYH14):c.4393C>T (p.Arg1465Cys)

Gene: MYH14 (myosin heavy chain 14; plus strand). Cytogenetic location: 19q13.33.
Variant type: single nucleotide variant.
Coding change: c.4393C>T on transcript NM_001145809.2 (MANE Select); coding-DNA position 4393, C replaced by T.
Protein change: p.Arg1465Cys; replaces arginine 1465 with cysteine.
Molecular consequence: missense variant.
Genome position (GRCh38, 1-based): chr19:50,281,696, C>T. VCF-style: chr19-50281696-C-T. GRCh37 (hg19) VCF-style: chr19-50784953-C-T.
Other names: c.4270C>T (NM_024729.3); c.4294C>T, p.Arg1432Cys (NM_001077186.2); c.4270C>T, p.Arg1424Cys (NM_024729.4); short protein forms R1465C, R1432C, R1424C.
Identifiers: ClinVar variation 179996 (VCV000179996.10), dbSNP rs727505272, ClinGen allele CA185599.